The following is an entry in ClinVar:

NM_181458.4(PAX3):c.230G>C (p.Arg77Pro)

Gene: PAX3 (paired box 3; minus strand). Cytogenetic location: 2q36.1.
Variant type: single nucleotide variant.
Coding change: c.230G>C on transcript NM_181458.4 (MANE Select); coding-DNA position 230, G replaced by C.
Protein change: p.Arg77Pro; replaces arginine 77 with proline.
Molecular consequence: missense variant.
Genome position (GRCh38, 1-based): chr2:222,297,069, C>G on the plus strand (G>C on the coding strand, the complement: PAX3 is on the minus strand). VCF-style: chr2-222297069-C-G. GRCh37 (hg19) VCF-style: chr2-223161788-C-G.
Other names: c.230G>C, p.Arg77Pro (NM_000438.6, NM_001127366.3, NM_013942.5 and 4 more transcripts); short protein forms R77P.
Identifiers: ClinVar variation 4536457 (VCV004536457.1).

ClinVar aggregate classification (germline): Uncertain significance (1 of 4 stars; one submission).

Submission:

GeneDx
Classification: Uncertain significance. Last evaluated: 2025-06-02. Review status: criteria provided, single submitter. Criteria: GeneDx Variant Classification Process June 2021. Collection method: clinical testing. Allele origin: germline. Affected: yes.
Comment: Not observed at significant frequency in large population cohorts (gnomAD); In silico analysis supports that this missense variant has a deleterious effect on protein structure/function; Has not been previously published as pathogenic or benign to our knowledge